The following is an entry in ClinVar:

NM_003324.5(TULP3):c.544del (p.Leu182fs)

Gene: TULP3 (TUB like protein 3; plus strand). Cytogenetic location: 12p13.33.
Variant type: Deletion.
Coding change: c.544del on transcript NM_003324.5 (MANE Select); coding-DNA position 544, one base deleted (C; older notation c.544delC).
Protein change: p.Leu182fs; shifts the reading frame from leucine 182.
Molecular consequence: frameshift variant.
Genome position (GRCh38, 1-based): chr12:2,931,088, C deleted; the last of 2 consecutive C bases (chr12:2,931,087-2,931,088); deleting either gives the same sequence. VCF-style (leftmost placement, unchanged base first): chr12-2931086-TC-T. GRCh37 (hg19) VCF-style: chr12-3040252-TC-T.
Other names: c.544delC (NM_003324.5); c.544del, p.Leu182fs (NM_001160408.2); c.544del (NM_003324.4); short protein forms L182fs.
Identifiers: ClinVar variation 1687117 (VCV001687117.30), dbSNP rs924744512, ClinGen allele CA231647876.
Genomic context (GRCh38, chr12:2,931,086, plus strand): 5'-TGTCCTTTCAGGATACAGGCACTTCCGGTTCTGCTACTGCCGCCCAACCAGCTGATAACC[TC>T]CTGGGAGACATAGACGACCTGGAGGACTTTGTGTATAGTCCTGCCCCTCAAGGTGTCACA-3'

ClinVar aggregate classification (germline): Pathogenic. Review status: criteria provided, multiple submitters, no conflicts (2 of 4 stars). 4 submissions from 4 submitters: Pathogenic (3). 1 of the submissions does not count toward it. Last evaluated 2025-12-11.

Conditions:
Hepatorenocardiac degenerative fibrosis. Identifiers: MedGen C5676996, MONDO:0859254, OMIM 619902.

Submissions (4):

Dasa
Classification: Pathogenic. Last evaluated: 2025-12-11. Review status: criteria provided, single submitter. Criteria: DASA Assertion Criteria. Collection method: clinical testing. Allele origin: germline.
Comment: NM_003324.5(TULP3):c.544del (p.Leu182Trpfs*4) introduces a premature termination codon predicted to result in loss of normal protein function. Loss-of-function is an established mechanism of disease for this gene. Segregation evidence has been reported in affected families. This variant has been reported in an affected individual with related phenotype in a genotype context consistent with recessive disease (PMID: 35397207). The variant is present at low frequency in population datasets. Based on the available data, this variant is classified as pathogenic.

GeneDx
Classification: Pathogenic. Last evaluated: 2024-09-10. Review status: criteria provided, single submitter. Criteria: GeneDx Variant Classification Process June 2021. Collection method: clinical testing. Allele origin: germline. Affected: yes.
Comment: Frameshift variant predicted to result in protein truncation or nonsense mediated decay in a gene for which loss of function is a known mechanism of disease; Not observed at significant frequency in large population cohorts (gnomAD); This variant is associated with the following publications: (PMID: 36460032, 35397207)

CeGaT Center for Human Genetics Tuebingen
Classification: Pathogenic. Last evaluated: 2023-03-01. Review status: criteria provided, single submitter. Criteria: CeGaT Center For Human Genetics Tuebingen Variant Classification Criteria Version 2. Collection method: clinical testing. Allele origin: germline. Affected: yes. Observed: 1 variant allele.
Comment: TULP3: PVS1, PM2, PM3, PP4, PS4:Supporting

OMIM
Classification: Pathogenic for HEPATORENOCARDIAC DEGENERATIVE FIBROSIS. Last evaluated: 2022-05-27. Review status: no assertion criteria provided. Collection method: literature only. Allele origin: germline. Not counted in ClinVar's aggregate classification.

Literature cited by the submitters: PubMed 35397207 (cited by Dasa and OMIM).